The following is an entry in ClinVar:

ClinVar aggregate classification (germline): Uncertain significance (1 of 4 stars; one submission).

Submission:

Labcorp Genetics (formerly Invitae), Labcorp
Classification: Uncertain significance. Last evaluated: 2025-04-29. Review status: criteria provided, single submitter. Criteria: Invitae Variant Classification Sherloc (09022015). Collection method: clinical testing. Allele origin: germline.
Comment: This sequence change replaces asparagine, which is neutral and polar, with threonine, which is neutral and polar, at codon 841 of the NEXMIF protein (p.Asn841Thr). This variant is not present in population databases (gnomAD no frequency). This variant has not been reported in the literature in individuals affected with NEXMIF-related conditions. An algorithm developed to predict the effect of missense changes on protein structure and function (PolyPhen-2) suggests that this variant is likely to be tolerated. In summary, the available evidence is currently insufficient to determine the role of this variant in disease. Therefore, it has been classified as a Variant of Uncertain Significance.

NM_001008537.3(NEXMIF):c.2522A>C (p.Asn841Thr)

Gene: NEXMIF (neurite extension and migration factor; minus strand). Cytogenetic location: Xq13.3.
Variant type: single nucleotide variant.
Coding change: c.2522A>C on transcript NM_001008537.3 (MANE Select); coding-DNA position 2522, A replaced by C.
Protein change: p.Asn841Thr; replaces asparagine 841 with threonine.
Molecular consequence: missense variant.
Genome position (GRCh38, 1-based): chrX:74,742,035, T>G on the plus strand (A>C on the coding strand, the complement: NEXMIF is on the minus strand). VCF-style: chrX-74742035-T-G. GRCh37 (hg19) VCF-style: chrX-73961870-T-G.
Other names: short protein forms N841T.
Identifiers: ClinVar variation 4764483 (VCV004764483.1).